The following is an entry in ClinVar:

ClinVar aggregate classification (germline): Uncertain significance (1 of 4 stars; one submission).

Conditions:
Chédiak-Higashi syndrome (CHS). Also called: Chediak-Higashi Syndrome. Identifiers: Orphanet 167, MedGen C0007965, MONDO:0008963, OMIM 214500.

Submission:

Labcorp Genetics (formerly Invitae), Labcorp
Classification: Uncertain significance for Chédiak-Higashi syndrome. Last evaluated: 2024-07-17. Review status: criteria provided, single submitter. Criteria: Invitae Variant Classification Sherloc (09022015). Collection method: clinical testing. Allele origin: germline.
Comment: This sequence change replaces tyrosine, which is neutral and polar, with histidine, which is basic and polar, at codon 1685 of the LYST protein (p.Tyr1685His). This variant is not present in population databases (gnomAD no frequency). This variant has not been reported in the literature in individuals affected with LYST-related conditions. Advanced modeling of protein sequence and biophysical properties (such as structural, functional, and spatial information, amino acid conservation, physicochemical variation, residue mobility, and thermodynamic stability) performed at Invitae indicates that this missense variant is not expected to disrupt LYST protein function with a negative predictive value of 80%. In summary, the available evidence is currently insufficient to determine the role of this variant in disease. Therefore, it has been classified as a Variant of Uncertain Significance.

NM_000081.4(LYST):c.5053T>C (p.Tyr1685His)

Gene: LYST (lysosomal trafficking regulator; minus strand). Cytogenetic location: 1q42.3.
Variant type: single nucleotide variant.
Coding change: c.5053T>C on transcript NM_000081.4 (MANE Select); coding-DNA position 5053, T replaced by C.
Protein change: p.Tyr1685His; replaces tyrosine 1685 with histidine.
Molecular consequence: missense variant.
Genome position (GRCh38, 1-based): chr1:235,781,026, A>G on the plus strand (T>C on the coding strand, the complement: LYST is on the minus strand). VCF-style: chr1-235781026-A-G. GRCh37 (hg19) VCF-style: chr1-235944326-A-G.
Other names: c.5053T>C, p.Tyr1685His (NM_001301365.1); short protein forms Y1685H.
Identifiers: ClinVar variation 3713608 (VCV003713608.2).